The following is an entry in ClinVar:

ClinVar aggregate classification (germline): Pathogenic. Review status: criteria provided, single submitter (1 of 4 stars). 2 submissions from 2 submitters: Pathogenic (1). 1 of the submissions does not count toward it. Last evaluated 2022-12-10.

Conditions:
Ellis-van Creveld syndrome (EVC). Also called: EVC-Related Ellis-van Creveld Syndrome; EVC2-Related Ellis-van Creveld Syndrome; MESOECTODERMAL DYSPLASIA; Chondroectodermal dysplasia. Identifiers: Orphanet 289, MedGen C0013903, MONDO:0009162, OMIM 225500.
Curry-Hall syndrome (WAD). Also called: WEYERS ACRODENTAL DYSOSTOSIS. Identifiers: Orphanet 952, MedGen C0457013, MONDO:0008673, OMIM 193530.

Submissions (2):

Labcorp Genetics (formerly Invitae), Labcorp
Classification: Pathogenic for Curry-Hall syndrome; Ellis-van Creveld syndrome. Last evaluated: 2022-12-10. Review status: criteria provided, single submitter. Criteria: Invitae Variant Classification Sherloc (09022015). Collection method: clinical testing. Allele origin: germline.
Comment: This sequence change creates a premature translational stop signal (p.Leu1266*) in the EVC2 gene. While this is not anticipated to result in nonsense mediated decay, it is expected to disrupt the last 43 amino acid(s) of the EVC2 protein. This variant is not present in population databases (gnomAD no frequency). This premature translational stop signal has been observed in individual(s) with autosomal dominant Weyers acrodental dysostosis (PMID: 19810119). In at least one individual the variant was observed to be de novo. It has also been observed to segregate with disease in related individuals. ClinVar contains an entry for this variant (Variation ID: 102430). For these reasons, this variant has been classified as Pathogenic.

OMIM
Classification: Pathogenic for WEYERS ACROFACIAL DYSOSTOSIS. Last evaluated: 2009-12-01. Review status: no assertion criteria provided. Collection method: literature only. Allele origin: germline. Not counted in ClinVar's aggregate classification.

Literature cited by the submitters: PubMed 19810119 (cited by Labcorp Genetics (formerly Invitae), Labcorp and OMIM); PubMed 18182642 (cited by OMIM).

NM_147127.5(EVC2):c.3797T>G (p.Leu1266Ter)

Gene: EVC2 (EvC ciliary complex subunit 2; minus strand). Cytogenetic location: 4p16.2.
Variant type: single nucleotide variant.
Coding change: c.3797T>G on transcript NM_147127.5 (MANE Select); coding-DNA position 3797, T replaced by G.
Protein change: p.Leu1266Ter; replaces leucine 1266 with a stop codon.
Molecular consequence: nonsense.
Genome position (GRCh38, 1-based): chr4:5,562,978, A>C on the plus strand (T>G on the coding strand, the complement: EVC2 is on the minus strand). VCF-style: chr4-5562978-A-C. GRCh37 (hg19) VCF-style: chr4-5564705-A-C.
Other names: EVC2, 3797T-G, LEU1266TER; c.3557T>G, p.Leu1186Ter (NM_001166136.2); short protein forms L1266*, L1186*.
Identifiers: ClinVar variation 102430 (VCV000102430.5), dbSNP rs1577093161, ClinGen allele CA356146508.